The following is an entry in ClinVar:

NM_002691.4(POLD1):c.3049A>G (p.Thr1017Ala)

Gene: POLD1 (DNA polymerase delta 1, catalytic subunit; plus strand). Cytogenetic location: 19q13.33.
Variant type: single nucleotide variant.
Coding change: c.3049A>G on transcript NM_002691.4 (MANE Select); coding-DNA position 3049, A replaced by G.
Protein change: p.Thr1017Ala; replaces threonine 1017 with alanine.
Molecular consequence: missense variant. On other transcripts: non-coding transcript variant (1).
Genome position (GRCh38, 1-based): chr19:50,416,705, A>G. VCF-style: chr19-50416705-A-G. GRCh37 (hg19) VCF-style: chr19-50919962-A-G.
Other names: c.3049A>G, p.Thr1017Ala (NM_001256849.1); c.3127A>G, p.Thr1043Ala (NM_001308632.1); short protein forms T1017A, T1043A.
Identifiers: ClinVar variation 1467226 (VCV001467226.10), dbSNP rs2122498157, ClinGen allele CA406986995.

ClinVar aggregate classification (germline): Uncertain significance. Review status: criteria provided, multiple submitters, no conflicts (2 of 4 stars). 2 submissions from 2 submitters: Uncertain significance (2). Last evaluated 2021-09-26.

Conditions:
POLD1-related polyposis and colorectal cancer syndrome (CRCS10). Also called: Colorectal cancer 10; COLORECTAL CANCER, SUSCEPTIBILITY TO, ON CHROMOSOME 19q; Colorectal cancer, susceptibility to, 10. Identifiers: Orphanet 220460, MedGen C2675481, MONDO:0012953, OMIM 612591.
Hereditary cancer-predisposing syndrome. Also called: Neoplastic Syndromes, Hereditary; Tumor predisposition; Hereditary Cancer Syndrome; Hereditary neoplastic syndrome. Identifiers: Orphanet 140162, MedGen C0027672, MeSH D009386, MONDO:0015356.

gnomAD v4.1: 3 of 1,540,824 alleles (0.00019%); highest among the groups gnomAD compares: Admixed American, 0.002%; no homozygotes.

Submissions (2):

Ambry Genetics
Classification: Uncertain significance for Hereditary cancer-predisposing syndrome. Last evaluated: 2021-09-26. Review status: criteria provided, single submitter. Criteria: Ambry Variant Classification Scheme 2023. Collection method: clinical testing. Allele origin: germline.
Comment: The p.T1017A variant (also known as c.3049A>G), located in coding exon 23 of the POLD1 gene, results from an A to G substitution at nucleotide position 3049. The threonine at codon 1017 is replaced by alanine, an amino acid with similar properties. This amino acid position is conserved. In addition, this alteration is predicted to be tolerated by in silico analysis. Since supporting evidence is limited at this time, the clinical significance of this alteration remains unclear.

Labcorp Genetics (formerly Invitae), Labcorp
Classification: Uncertain significance for POLD1-related polyposis and colorectal cancer syndrome. Last evaluated: 2020-11-11. Review status: criteria provided, single submitter. Criteria: Invitae Variant Classification Sherloc (09022015). Collection method: clinical testing. Allele origin: germline.
Comment: This sequence change replaces threonine with alanine at codon 1017 of the POLD1 protein (p.Thr1017Ala). The threonine residue is weakly conserved and there is a small physicochemical difference between threonine and alanine. The frequency data for this variant in the population databases is considered unreliable, as metrics indicate insufficient coverage at this position in the ExAC database. This variant has not been reported in the literature in individuals with POLD1-related conditions. Algorithms developed to predict the effect of missense changes on protein structure and function output the following: SIFT: "Tolerated"; PolyPhen-2: "Benign"; Align-GVGD: "Class C0". The alanine amino acid residue is found in multiple mammalian species, suggesting that this missense change does not adversely affect protein function. These predictions have not been confirmed by published functional studies and their clinical significance is uncertain. In summary, the available evidence is currently insufficient to determine the role of this variant in disease. Therefore, it has been classified as a Variant of Uncertain Significance.